The following is an entry in ClinVar:

NM_003052.5(SLC34A1):c.1750C>T (p.His584Tyr)

Gene: SLC34A1 (solute carrier family 34 member 1; plus strand). Cytogenetic location: 5q35.3.
Variant type: single nucleotide variant.
Coding change: c.1750C>T on transcript NM_003052.5 (MANE Select); coding-DNA position 1750, C replaced by T.
Protein change: p.His584Tyr; replaces histidine 584 with tyrosine.
Molecular consequence: missense variant.
Genome position (GRCh38, 1-based): chr5:177,398,116, C>T. VCF-style: chr5-177398116-C-T. GRCh37 (hg19) VCF-style: chr5-176825117-C-T.
Other names: short protein forms H584Y.
Identifiers: ClinVar variation 3679196 (VCV003679196.2).

ClinVar aggregate classification (germline): Uncertain significance (1 of 4 stars; one submission).

Submission:

Labcorp Genetics (formerly Invitae), Labcorp
Classification: Uncertain significance. Last evaluated: 2024-04-09. Review status: criteria provided, single submitter. Criteria: Invitae Variant Classification Sherloc (09022015). Collection method: clinical testing. Allele origin: germline.
Comment: This sequence change replaces histidine, which is basic and polar, with tyrosine, which is neutral and polar, at codon 584 of the SLC34A1 protein (p.His584Tyr). This variant is not present in population databases (gnomAD no frequency). This variant has not been reported in the literature in individuals affected with SLC34A1-related conditions. Advanced modeling of protein sequence and biophysical properties (such as structural, functional, and spatial information, amino acid conservation, physicochemical variation, residue mobility, and thermodynamic stability) performed at Invitae indicates that this missense variant is not expected to disrupt SLC34A1 protein function with a negative predictive value of 80%. In summary, the available evidence is currently insufficient to determine the role of this variant in disease. Therefore, it has been classified as a Variant of Uncertain Significance.